The following is an entry in ClinVar:

ClinVar aggregate classification (germline): Pathogenic/Likely pathogenic. Review status: criteria provided, multiple submitters, no conflicts (2 of 4 stars). 2 submissions from 2 submitters: Pathogenic (1); Likely pathogenic (1). Last evaluated 2024-10-04.

Conditions:
Holocarboxylase synthetase deficiency. Also called: MULTIPLE CARBOXYLASE DEFICIENCY, EARLY ONSET. Identifiers: Orphanet 79242, MedGen C0268581, MONDO:0009666, OMIM 253270.

Submissions (2):

Natera, Inc.
Classification: Likely pathogenic for Holocarboxylase synthetase deficiency. Last evaluated: 2024-10-04. Review status: criteria provided, single submitter. Criteria: Natera Variant Classification Schema (03/2026). Collection method: clinical testing. Allele origin: germline.
Comment: The c.1928_1932del variant in HLCS is a frameshift variant predicted to elongate the protein beyond the termination codon. This variant is expected to result in nonsense mediated decay, truncation, or a dysfunctional protein product. This variant is rare in the general population with a frequency below the threshold expected for the associated phenotype(s). Given the available evidence, this variant is classified as Likely Pathogenic.

Labcorp Genetics (formerly Invitae), Labcorp
Classification: Pathogenic for Holocarboxylase synthetase deficiency. Last evaluated: 2023-08-07. Review status: criteria provided, single submitter. Criteria: Invitae Variant Classification Sherloc (09022015). Collection method: clinical testing. Allele origin: germline.
Comment: This variant disrupts a region of the HLCS protein in which other variant(s) (p.Gln696*) have been determined to be pathogenic (Invitae). This suggests that this is a clinically significant region of the protein, and that variants that disrupt it are likely to be disease-causing. For these reasons, this variant has been classified as Pathogenic. This variant has not been reported in the literature in individuals affected with HLCS-related conditions. This variant is not present in population databases (gnomAD no frequency). This sequence change results in a frameshift in the HLCS gene (p.Val643Glyfs*104). While this is not anticipated to result in nonsense mediated decay, it is expected to disrupt the last 84 amino acid(s) of the HLCS protein and extend the protein by 19 additional amino acid residues.

NM_001352514.2(HLCS):c.2369_2373del (p.Val790fs)

Gene: HLCS (holocarboxylase synthetase; minus strand). Cytogenetic location: 21q22.13.
Variant type: Deletion.
Coding change: c.2369_2373del on transcript NM_001352514.2 (MANE Select); coding-DNA positions 2369 to 2373, 5 bases deleted (TGCTG; older notation c.2369_2373delTGCTG).
Protein change: p.Val790fs; shifts the reading frame from valine 790.
Molecular consequence: frameshift variant. On other transcripts: non-coding transcript variant (2).
Genome position (GRCh38, 1-based): chr21:36,756,619-36,756,623, CAGCA deleted on the plus strand (TGCTG on the coding strand, the reverse complement: HLCS is on the minus strand); deleting any 5 consecutive bases within chr21:36,756,619-36,756,626 gives the same sequence; the c. name uses the placement nearest the transcript's 3' end. VCF-style (leftmost placement, unchanged base first): chr21-36756618-CCAGCA-C. GRCh37 (hg19) VCF-style: chr21-38128919-CCAGCA-C.
Other names: c.1928_1932del, p.Val643fs (NM_000411.8, NM_001242784.3, NM_001242785.2 and 4 more transcripts); c.1928_1932del (NM_000411.7); short protein forms V643fs, V790fs.
Identifiers: ClinVar variation 2750778 (VCV002750778.4), dbSNP rs2516840809, ClinGen allele CA2697547507.